The following is an entry in ClinVar:

ClinVar aggregate classification (germline): Likely benign. Review status: criteria provided, multiple submitters, no conflicts (2 of 4 stars). 2 submissions from 2 submitters: Likely benign (2). Last evaluated 2026-09-03.

Conditions:
RP1L1-related disorder. Also called: RP1L1-related condition.

Allele frequency attached by ClinVar (database versions not stated): ExAC 0.00002; gnomAD 0.00002 and 0.00003; gnomAD exomes 0.00003; TOPMed 0.00003.
gnomAD v4.1: 48 of 1,613,322 alleles (0.003%); highest among the groups gnomAD compares: Non-Finnish European, 0.004%; no homozygotes.

Submissions (2):

PreventionGenetics, part of Exact Sciences
Classification: Likely benign for RP1L1-related condition. Last evaluated: 2026-09-03. Review status: criteria provided, single submitter. Criteria: ACMG Guidelines, 2015. Collection method: clinical testing. Allele origin: germline.
Comment: This variant is classified as likely benign based on ACMG/AMP sequence variant interpretation guidelines (Richards et al. 2015 PMID: 25741868, with internal and published modifications).

Labcorp Genetics (formerly Invitae), Labcorp
Classification: Likely benign. Last evaluated: 2026-01-22. Review status: criteria provided, single submitter. Criteria: Invitae Variant Classification Sherloc (09022015). Collection method: clinical testing. Allele origin: germline.

NM_178857.6(RP1L1):c.385T>C (p.Leu129=)

Gene: RP1L1 (RP1 like 1). Cytogenetic location: 8p23.1.
Variant type: single nucleotide variant.
Coding change: c.385T>C on transcript NM_178857.6 (MANE Select); coding-DNA position 385, T replaced by C.
Protein change: p.Leu129=; no amino-acid change (leucine 129 retained).
Molecular consequence: synonymous variant.
Genome position (GRCh38, 1-based): chr8:10,622,817, A>G on the plus strand (T>C on the coding strand, the complement: RP1L1 is on the minus strand). VCF-style: chr8-10622817-A-G. GRCh37 (hg19) VCF-style: chr8-10480327-A-G.
Other names: c.385T>C (NM_178857.5).
Identifiers: ClinVar variation 1615871 (VCV001615871.9), dbSNP rs761054315, ClinGen allele CA4625732.